The following is an entry in ClinVar:

ClinVar aggregate classification (germline): Uncertain significance (1 of 4 stars; one submission).

Conditions:
Aspartylglucosaminuria (AGU). Also called: AGA DEFICIENCY; GLYCOASPARAGINASE; GLYCOSYLASPARAGINASE DEFICIENCY; Aspartylglucos-aminuria; Aspartylglucos-amidase (AGA) deficiency. Identifiers: Orphanet 93, MedGen C0268225, MONDO:0008830, OMIM 208400, HP:0012068.

Allele frequency attached by ClinVar (database versions not stated): gnomAD exomes below 0.00001; ExAC 0.00001; gnomAD 0.00001; TOPMed 0.00005.
gnomAD v4.1: 9 of 1,598,850 alleles (0.00056%); highest among the groups gnomAD compares: Middle Eastern, 0.017%; no homozygotes.

Submission:

Labcorp Genetics (formerly Invitae), Labcorp
Classification: Uncertain significance for Aspartylglucosaminuria. Last evaluated: 2022-07-29. Review status: criteria provided, single submitter. Criteria: Invitae Variant Classification Sherloc (09022015). Collection method: clinical testing. Allele origin: germline.
Comment: This sequence change replaces isoleucine, which is neutral and non-polar, with threonine, which is neutral and polar, at codon 207 of the AGA protein (p.Ile207Thr). This variant is not present in population databases (gnomAD no frequency). This variant has not been reported in the literature in individuals affected with AGA-related conditions. Algorithms developed to predict the effect of missense changes on protein structure and function are either unavailable or do not agree on the potential impact of this missense change (SIFT: "Tolerated"; PolyPhen-2: "Probably Damaging"; Align-GVGD: "Class C0"). In summary, the available evidence is currently insufficient to determine the role of this variant in disease. Therefore, it has been classified as a Variant of Uncertain Significance.

NM_000027.4(AGA):c.620T>C (p.Ile207Thr)

Gene: AGA (aspartylglucosaminidase; minus strand). Cytogenetic location: 4q34.3.
Variant type: single nucleotide variant.
Coding change: c.620T>C on transcript NM_000027.4 (MANE Select); coding-DNA position 620, T replaced by C.
Protein change: p.Ile207Thr; replaces isoleucine 207 with threonine.
Molecular consequence: missense variant. On other transcripts: non-coding transcript variant (1).
Genome position (GRCh38, 1-based): chr4:177,437,407, A>G on the plus strand (T>C on the coding strand, the complement: AGA is on the minus strand). VCF-style: chr4-177437407-A-G. GRCh37 (hg19) VCF-style: chr4-178358561-A-G.
Other names: c.620T>C, p.Ile207Thr (NM_001171988.2); short protein forms I207T.
Identifiers: ClinVar variation 2199163 (VCV002199163.1), dbSNP rs772248515, ClinGen allele CA3146880.